The following is an entry in ClinVar:

ClinVar aggregate classification (germline): Uncertain significance (1 of 4 stars; one submission).

gnomAD v4.1: 9 of 1,614,122 alleles (0.00056%); highest among the groups gnomAD compares: Non-Finnish European, 0.00076%; no homozygotes.

Submission:

Labcorp Genetics (formerly Invitae), Labcorp
Classification: Uncertain significance. Last evaluated: 2024-03-02. Review status: criteria provided, single submitter. Criteria: Invitae Variant Classification Sherloc (09022015). Collection method: clinical testing. Allele origin: germline.
Comment: This sequence change falls in intron 12 of the ANKZF1 gene. It does not directly change the encoded amino acid sequence of the ANKZF1 protein. It affects a nucleotide within the consensus splice site. This variant is not present in population databases (gnomAD no frequency). This variant has not been reported in the literature in individuals affected with ANKZF1-related conditions. Variants that disrupt the consensus splice site are a relatively common cause of aberrant splicing (PMID: 17576681, 9536098). Algorithms developed to predict the effect of sequence changes on RNA splicing suggest that this variant is not likely to affect RNA splicing. In summary, the available evidence is currently insufficient to determine the role of this variant in disease. Therefore, it has been classified as a Variant of Uncertain Significance.

Literature cited by the submitters: PubMed 17576681; PubMed 9536098.

NM_018089.3(ANKZF1):c.1971+5G>A

Gene: ANKZF1 (ankyrin repeat and zinc finger peptidyl tRNA hydrolase 1; plus strand). Cytogenetic location: 2q35.
Variant type: single nucleotide variant.
Coding change: c.1971+5G>A on transcript NM_018089.3 (MANE Select); 5 bases into the intron after coding-DNA position 1971, G replaced by A.
Molecular consequence: intron variant.
Genome position (GRCh38, 1-based): chr2:219,235,880, G>A. VCF-style: chr2-219235880-G-A. GRCh37 (hg19) VCF-style: chr2-220100602-G-A.
Other names: c.1971+5G>A (NM_001042410.2); c.1341+5G>A (NM_001282792.2).
Identifiers: ClinVar variation 3643958 (VCV003643958.2).